The following is an entry in ClinVar:

ClinVar aggregate classification (germline): Uncertain significance (1 of 4 stars; one submission).

gnomAD v4.1: 1 of 1,613,176 alleles (0.000062%); highest among the groups gnomAD compares: South Asian, 0.0011%; no homozygotes.

Submission:

GeneDx
Classification: Uncertain significance. Last evaluated: 2026-01-26. Review status: criteria provided, single submitter. Criteria: GeneDx Variant Classification Process June 2021. Collection method: clinical testing. Allele origin: germline.
Comment: Not observed at significant frequency in large population cohorts (gnomAD); In silico analysis supports that this missense variant has a deleterious effect on protein structure/function; Has not been previously published as pathogenic or benign to our knowledge

NM_004447.6(EPS8):c.1120G>A (p.Gly374Ser)

Gene: EPS8 (EGFR pathway substrate 8, signaling adaptor; minus strand). Cytogenetic location: 12p12.3.
Variant type: single nucleotide variant.
Coding change: c.1120G>A on transcript NM_004447.6 (MANE Select); coding-DNA position 1120, G replaced by A.
Protein change: p.Gly374Ser; replaces glycine 374 with serine.
Molecular consequence: missense variant. On other transcripts: non-coding transcript variant (3).
Genome position (GRCh38, 1-based): chr12:15,654,275, C>T on the plus strand (G>A on the coding strand, the complement: EPS8 is on the minus strand). VCF-style: chr12-15654275-C-T. GRCh37 (hg19) VCF-style: chr12-15807209-C-T.
Other names: c.1120G>A, p.Gly374Ser (NM_001413831.1, NM_001413832.1, NM_001413833.1 and 2 more transcripts); c.880G>A, p.Gly294Ser (NM_001413835.1, NM_001413836.1); c.703G>A, p.Gly235Ser (NM_001413837.1); c.340G>A, p.Gly114Ser (NM_001413838.1); short protein forms G114S, G235S, G294S, G374S.
Identifiers: ClinVar variation 4975245 (VCV004975245.1).